The following is an entry in ClinVar:

ClinVar aggregate classification (germline): Uncertain significance. Review status: criteria provided, multiple submitters, no conflicts (2 of 4 stars). 2 submissions from 2 submitters: Uncertain significance (2). Last evaluated 2023-07-31.

Conditions:
Pontocerebellar hypoplasia type 2A (PCH2A). Also called: PONTOCEREBELLAR HYPOPLASIA WITH PROGRESSIVE CEREBRAL ATROPHY; VOLENDAM NEURODEGENERATIVE DISEASE. Identifiers: Orphanet 2524, MedGen C1848526, MONDO:0010190, OMIM 277470.
Inborn genetic diseases. Identifiers: MedGen C0950123, MeSH D030342.

Allele frequency attached by ClinVar (database versions not stated): gnomAD 0.00003 and 0.00005; ExAC 0.00005; TOPMed 0.00005; gnomAD exomes 0.00006; ESP Exome Variant Server 0.00008; 1000 Genomes Project 30x 0.00031; 1000 Genomes Project 0.00040.
gnomAD v4.1: 94 of 1,613,034 alleles (0.0058%); highest among the groups gnomAD compares: Non-Finnish European, 0.0073%; no homozygotes.

Submissions (2):

Ambry Genetics
Classification: Uncertain significance for Inborn genetic diseases. Last evaluated: 2023-07-31. Review status: criteria provided, single submitter. Criteria: Ambry Variant Classification Scheme 2023. Collection method: clinical testing. Allele origin: germline.

Baylor Genetics
Classification: Uncertain significance for Pontocerebellar hypoplasia type 2A. Last evaluated: 2018-08-22. Review status: criteria provided, single submitter. Criteria: ACMG Guidelines, 2015. Collection method: clinical testing. Allele origin: maternal. Affected: yes.
Comment: This variant was determined to be of uncertain significance according to ACMG Guidelines, 2015 [PMID:25741868].

NM_207346.3(TSEN54):c.637A>G (p.Lys213Glu)

Gene: TSEN54 (tRNA splicing endonuclease subunit 54; plus strand). Cytogenetic location: 17q25.1.
Variant type: single nucleotide variant.
Coding change: c.637A>G on transcript NM_207346.3 (MANE Select); coding-DNA position 637, A replaced by G.
Protein change: p.Lys213Glu; replaces lysine 213 with glutamic acid.
Molecular consequence: missense variant.
Genome position (GRCh38, 1-based): chr17:75,521,718, A>G. VCF-style: chr17-75521718-A-G. GRCh37 (hg19) VCF-style: chr17-73517799-A-G.
Other names: short protein forms K213E.
Identifiers: ClinVar variation 1033699 (VCV001033699.3), dbSNP rs184421010, ClinGen allele CA8764237.